The following is an entry in ClinVar:

ClinVar aggregate classification (germline): Uncertain significance (1 of 4 stars; one submission).

Conditions:
Gastrointestinal stromal tumor. Also called: Gastrointestinal stromal tumor, somatic; Gastrointestinal stroma tumor. Identifiers: Orphanet 44890, MedGen C0238198, MeSH D046152, MONDO:0011719, OMIM 606764, HP:0100723.

Submission:

Labcorp Genetics (formerly Invitae), Labcorp
Classification: Uncertain significance for Gastrointestinal stromal tumor. Last evaluated: 2022-11-07. Review status: criteria provided, single submitter. Criteria: Invitae Variant Classification Sherloc (09022015). Collection method: clinical testing. Allele origin: germline.
Comment: In summary, the available evidence is currently insufficient to determine the role of this variant in disease. Therefore, it has been classified as a Variant of Uncertain Significance. Advanced modeling of protein sequence and biophysical properties (such as structural, functional, and spatial information, amino acid conservation, physicochemical variation, residue mobility, and thermodynamic stability) performed at Invitae indicates that this missense variant is not expected to disrupt PDGFRA protein function. This variant has not been reported in the literature in individuals affected with PDGFRA-related conditions. This variant is not present in population databases (gnomAD no frequency). This sequence change replaces histidine, which is basic and polar, with leucine, which is neutral and non-polar, at codon 654 of the PDGFRA protein (p.His654Leu).

NM_006206.6(PDGFRA):c.1961A>T (p.His654Leu)

Gene: PDGFRA (platelet derived growth factor receptor alpha; plus strand). Cytogenetic location: 4q12.
Variant type: single nucleotide variant.
Coding change: c.1961A>T on transcript NM_006206.6 (MANE Select); coding-DNA position 1961, A replaced by T.
Protein change: p.His654Leu; replaces histidine 654 with leucine.
Molecular consequence: missense variant.
Genome position (GRCh38, 1-based): chr4:54,277,965, A>T. VCF-style: chr4-54277965-A-T. GRCh37 (hg19) VCF-style: chr4-55144132-A-T.
Other names: c.1961A>T, p.His654Leu (NM_001347827.2, NM_001347829.2); c.2036A>T, p.His679Leu (NM_001347828.2); c.2000A>T, p.His667Leu (NM_001347830.2); short protein forms H654L, H667L, H679L.
Identifiers: ClinVar variation 2812686 (VCV002812686.3), dbSNP rs2475511589, ClinGen allele CA356893718.